The following is an entry in ClinVar:

ClinVar aggregate classification (germline): Uncertain significance. Review status: criteria provided, multiple submitters, no conflicts (2 of 4 stars). 2 submissions from 2 submitters: Uncertain significance (2). Last evaluated 2022-03-25.

Conditions:
Aortic aneurysm, familial thoracic 4 (AAT4). Also called: AORTIC ANEURYSM/AORTIC DISSECTION AND PATENT DUCTUS ARTERIOSUS. Identifiers: MedGen C1851504, MONDO:0007568, OMIM 132900.

Submissions (2):

Labcorp Genetics (formerly Invitae), Labcorp
Classification: Uncertain significance for Aortic aneurysm, familial thoracic 4. Last evaluated: 2022-03-25. Review status: criteria provided, single submitter. Criteria: Invitae Variant Classification Sherloc (09022015). Collection method: clinical testing. Allele origin: germline.
Comment: This variant has not been reported in the literature in individuals affected with MYH11-related conditions. In summary, the available evidence is currently insufficient to determine the role of this variant in disease. Therefore, it has been classified as a Variant of Uncertain Significance. Algorithms developed to predict the effect of missense changes on protein structure and function are either unavailable or do not agree on the potential impact of this missense change (SIFT: "Deleterious"; PolyPhen-2: "Probably Damaging"; Align-GVGD: "Class C0"). ClinVar contains an entry for this variant (Variation ID: 201077). This variant is not present in population databases (gnomAD no frequency). This sequence change replaces methionine, which is neutral and non-polar, with lysine, which is basic and polar, at codon 1520 of the MYH11 protein (p.Met1520Lys).

GeneDx
Classification: Uncertain significance. Last evaluated: 2014-01-12. Review status: criteria provided, single submitter. Criteria: GeneDx Variant Classification (06012015). Collection method: clinical testing. Allele origin: germline. Affected: yes.
Comment: p.Met1513Lys (M1513K) ATG>AAG: c.4538 T>A in exon 32 of the MYH11 gene (NM_002474.2). The M1513K variant in the MYH11 gene has not been reported as a disease-causing mutation or as a benign polymorphism to our knowledge. The M1513K variant is a non-conservative amino acid substitution as these residues differ in polarity, charge, size and/or other properties and is more likely to impact secondary structure. The M1513 residue is conserved across species. In silico analysis predicts M1513K is probably damaging to the protein structure/function. The M1513K variant was not observed in approximately 6,500 individuals of European and African American ancestry in the NHLBI Exome Sequencing Project, indicating it is not a common benign variant in these populations. However, no mutations in nearby residues have been reported in association with TAAD or a related disorder suggesting this region of the protein may be tolerant to change. With the clinical and molecular information available at this time, we cannot definitively determine if M1513K is a disease-causing mutation or a rare benign variant. The variant is found in TAAD panel(s).

NM_002474.3(MYH11):c.4538T>A (p.Met1513Lys)

Genes: MYH11 (myosin heavy chain 11; minus strand), NDE1 (nudE neurodevelopment protein 1; plus strand). Cytogenetic location: 16p13.11.
Variant type: single nucleotide variant.
Coding change: c.4538T>A on transcript NM_002474.3 (MANE Select); coding-DNA position 4538, T replaced by A.
Protein change: p.Met1513Lys; replaces methionine 1513 with lysine.
Molecular consequence: missense variant. On other transcripts: intron variant (2).
Genome position (GRCh38, 1-based): chr16:15,721,462, A>T on the plus strand (T>A on the coding strand, the complement: MYH11 is on the minus strand). VCF-style: chr16-15721462-A-T. GRCh37 (hg19) VCF-style: chr16-15815319-A-T.
Other names: p.M1513K:ATG>AAG; c.4559T>A, p.Met1520Lys (NM_001040113.2, NM_001040114.2); c.4538T>A, p.Met1513Lys (NM_022844.3); c.948-2729A>T (NM_001143979.2, NM_017668.3); short protein forms M1513K, M1520K.
Identifiers: ClinVar variation 201077 (VCV000201077.6), dbSNP rs794728669, ClinGen allele CA306574.
Genomic context (GRCh38, chr16:15,721,462, plus strand): 5'-AACCACCCAGAGCCACTTACGTTCTTGCCCACGTCATCCTTGGAGCTGACCAGGTCTTCC[A>T]TTTCGGCTTTGAGCATTTTGTTGGTCCGCTCGAGTTCCTCTTTGGCTTCCAAGGCCTCTT-3'
Protein context (NP_002465.1, residues 1503-1523): ERTNKMLKAE[Met1513Lys]EDLVSSKDDV